The following is an entry in ClinVar:

ClinVar aggregate classification (germline): Likely pathogenic (1 of 4 stars; one submission).

Conditions:
X-linked Alport syndrome (ATS1). Also called: COL4A5-Related Nephropathy; NEPHROPATHY AND DEAFNESS, X-LINKED. Identifiers: Orphanet 63, Orphanet 88917, MedGen C4746986, MONDO:0010520, OMIM 301050.

Submission:

Myriad Genetics, Inc.
Classification: Likely pathogenic for X-linked Alport syndrome. Last evaluated: 2022-03-08. Review status: criteria provided, single submitter. Criteria: Myriad Women's Health Autosomal Recessive and X-Linked Classification Criteria (2021). Collection method: clinical testing. Allele origin: unknown.
Comment: NM_000495.4(COL4A5):c.1748T>A(L583*) is expected to be pathogenic in the context of X-linked Alport syndrome. This variant is predicted to lead to an abnormal or absent protein product due to the creation of a premature termination codon in COL4A5, a gene where loss-of-function variants are known to be pathogenic. Please note: this variant was assessed in the context of healthy population screening.

NM_033380.3(COL4A5):c.1748T>A (p.Leu583Ter)

Gene: COL4A5 (collagen type IV alpha 5 chain; plus strand). Cytogenetic location: Xq22.3.
Variant type: single nucleotide variant.
Coding change: c.1748T>A on transcript NM_033380.3 (MANE Select); coding-DNA position 1748, T replaced by A.
Protein change: p.Leu583Ter; replaces leucine 583 with a stop codon.
Molecular consequence: nonsense.
Genome position (GRCh38, 1-based): chrX:108,597,537, T>A. VCF-style: chrX-108597537-T-A. GRCh37 (hg19) VCF-style: chrX-107840767-T-A.
Other names: c.1748T>A, p.Leu583Ter (NM_000495.5); short protein forms L583*.
Identifiers: ClinVar variation 1725104 (VCV001725104.2), dbSNP rs2524308896, ClinGen allele CA413845521.